The following is an entry in ClinVar:

ClinVar aggregate classification (germline): Uncertain significance (1 of 4 stars; one submission).

gnomAD v4.1: 2 of 1,614,072 alleles (0.00012%); highest among the groups gnomAD compares: South Asian, 0.0011%; no homozygotes.

Submission:

Ambry Genetics
Classification: Uncertain significance. Last evaluated: 2025-12-15. Review status: criteria provided, single submitter. Criteria: Ambry Variant Classification Scheme 2023. Collection method: clinical testing. Allele origin: germline.
Comment: The p.D1743N variant (also known as c.5227G>A), located in coding exon 45 of the KIF1B gene, results from a G to A substitution at nucleotide position 5227. The aspartic acid at codon 1743 is replaced by asparagine, an amino acid with highly similar properties. This amino acid position is conserved. In addition, this alteration is predicted to be tolerated by in silico analysis. Since supporting evidence is limited at this time, the clinical significance of this alteration remains unclear.

NM_001365951.3(KIF1B):c.5365G>A (p.Asp1789Asn)

Gene: KIF1B (kinesin family member 1B; plus strand). Cytogenetic location: 1p36.22.
Variant type: single nucleotide variant.
Coding change: c.5365G>A on transcript NM_001365951.3 (MANE Select); coding-DNA position 5365, G replaced by A.
Protein change: p.Asp1789Asn; replaces aspartic acid 1789 with asparagine.
Molecular consequence: missense variant.
Genome position (GRCh38, 1-based): chr1:10,375,330, G>A. VCF-style: chr1-10375330-G-A. GRCh37 (hg19) VCF-style: chr1-10435388-G-A.
Other names: c.5365G>A, p.Asp1789Asn (NM_001365952.1); c.5227G>A, p.Asp1743Asn (NM_015074.3); short protein forms D1789N, D1743N.
Identifiers: ClinVar variation 1746180 (VCV001746180.3), dbSNP rs1227406266, ClinGen allele CA338331963.